The following is an entry in ClinVar:

NM_022455.5(NSD1):c.3031del (p.Ser1011fs)

Gene: NSD1 (nuclear receptor binding SET domain protein 1; plus strand). Cytogenetic location: 5q35.3.
Variant type: Deletion.
Coding change: c.3031del on transcript NM_022455.5 (MANE Select); coding-DNA position 3031, one base deleted (A; older notation c.3031delA).
Protein change: p.Ser1011fs; shifts the reading frame from serine 1011.
Molecular consequence: frameshift variant.
Genome position (GRCh38, 1-based): chr5:177,211,430, A deleted; the last of 4 consecutive A bases (chr5:177,211,427-177,211,430); deleting any one gives the same sequence. VCF-style (leftmost placement, unchanged base first): chr5-177211426-TA-T. GRCh37 (hg19) VCF-style: chr5-176638427-TA-T.
Other names: c.2158delA, p.Ser720Valfs (NM_001365684.2, NM_001409306.1, NM_001409307.1 and 3 more transcripts); c.3031delA, p.Ser1011Valfs (NM_001409301.1, NM_001409302.1, NM_001409303.1); c.2611delA, p.Ser871Valfs (NM_001409304.1); c.2278delA, p.Ser760Valfs (NM_001409305.1); short protein forms S742fs, S1011fs.
Identifiers: ClinVar variation 1451585 (VCV001451585.8), dbSNP rs2149846959, ClinGen allele CA2573139463.
Genomic context (GRCh38, chr5:177,211,426, plus strand): 5'-CGAGTTGTCTGCTTCCCTACCTGGCTTACTGTCCGACAAGAGAGACCTCCCTGCTTCTGG[TA>T]AAAGTCGTTCAGACTGTGTTACTAGGCGCAACTGTGGACGATCAAAGCCTTCATCCAAAT-3'

ClinVar aggregate classification (germline): Pathogenic (1 of 4 stars; one submission).

Submission:

Labcorp Genetics (formerly Invitae), Labcorp
Classification: Pathogenic. Last evaluated: 2021-05-25. Review status: criteria provided, single submitter. Criteria: Invitae Variant Classification Sherloc (09022015). Collection method: clinical testing. Allele origin: germline.
Comment: For these reasons, this variant has been classified as Pathogenic. This variant has been observed in individual(s) with intellectual disability and overgrowth (PMID: 28475857). This variant is not present in population databases (ExAC no frequency). This sequence change creates a premature translational stop signal (p.Ser1011Valfs*29) in the NSD1 gene. It is expected to result in an absent or disrupted protein product. Loss-of-function variants in NSD1 are known to be pathogenic (PMID: 12464997, 14571271, 15942875, 16247291).

Literature cited by the submitters: PubMed 28475857; PubMed 12464997; PubMed 14571271; PubMed 15942875; PubMed 16247291.